The following is an entry in ClinVar:

NM_001048174.2(MUTYH):c.480G>C (p.Glu160Asp)

Gene: MUTYH (mutY DNA glycosylase; minus strand). Cytogenetic location: 1p34.1.
Variant type: single nucleotide variant.
Coding change: c.480G>C on transcript NM_001048174.2 (MANE Select); coding-DNA position 480, G replaced by C.
Protein change: p.Glu160Asp; replaces glutamic acid 160 with aspartic acid.
Molecular consequence: missense variant. On other transcripts: non-coding transcript variant (2).
Genome position (GRCh38, 1-based): chr1:45,332,775, C>G on the plus strand (G>C on the coding strand, the complement: MUTYH is on the minus strand). VCF-style: chr1-45332775-C-G. GRCh37 (hg19) VCF-style: chr1-45798447-C-G.
Other names: c.480G>C, p.Glu160Asp (NM_001048171.2, NM_001048173.2, NM_001293195.2); c.483G>C, p.Glu161Asp (NM_001048172.2); c.564G>C, p.Glu188Asp (NM_001128425.2); c.525G>C, p.Glu175Asp (NM_001293190.2); c.513G>C, p.Glu171Asp (NM_001293191.2); c.204G>C, p.Glu68Asp (NM_001293192.2, NM_001293196.2); c.135G>C, p.Glu45Asp (NM_001350650.2, NM_001350651.2); c.555G>C, p.Glu185Asp (NM_012222.3); short protein forms E188D, E185D, E68D, E161D, E171D, E175D, E45D, E160D.
Identifiers: ClinVar variation 480000 (VCV000480000.22), dbSNP rs1335408660, ClinGen allele CA340135574.

ClinVar aggregate classification (germline): Uncertain significance. Review status: criteria provided, multiple submitters, no conflicts (2 of 4 stars). 5 submissions from 5 submitters: Uncertain significance (5). Last evaluated 2026-01-19.

Conditions:
Hereditary cancer-predisposing syndrome. Also called: Hereditary neoplastic syndrome; Hereditary Cancer Syndrome; Neoplastic Syndromes, Hereditary; Tumor predisposition. Identifiers: Orphanet 140162, MedGen C0027672, MeSH D009386, MONDO:0015356.
Familial adenomatous polyposis 2. Also called: MYH-associated polyposis; COLORECTAL ADENOMATOUS POLYPOSIS, AUTOSOMAL RECESSIVE; ADENOMAS, MULTIPLE COLORECTAL, AUTOSOMAL RECESSIVE; MUTYH-related attenuated familial adenomatous polyposis; Adenomas, multiple colorectal; FAP type 2. Identifiers: Orphanet 220460, Orphanet 247798, MedGen C3272841, MONDO:0012041, OMIM 608456.

Allele frequency attached by ClinVar (database versions not stated): gnomAD exomes below 0.00001; TOPMed below 0.00001.
gnomAD v4.1: 6 of 1,614,182 alleles (0.00037%); highest among the groups gnomAD compares: Non-Finnish European, 0.00051%; no homozygotes.

Submissions (5):

Labcorp Genetics (formerly Invitae), Labcorp
Classification: Uncertain significance for Familial adenomatous polyposis 2. Last evaluated: 2026-01-19. Review status: criteria provided, single submitter. Criteria: Invitae Variant Classification Sherloc (09022015). Collection method: clinical testing. Allele origin: germline.
Comment: This sequence change replaces glutamic acid, which is acidic and polar, with aspartic acid, which is acidic and polar, at codon 188 of the MUTYH protein (p.Glu188Asp). This variant is present in population databases (no rsID available, gnomAD 0.0009%). This variant has not been reported in the literature in individuals affected with MUTYH-related conditions. ClinVar contains an entry for this variant (Variation ID: 480000). An algorithm developed to predict the effect of missense changes on protein structure and function (PolyPhen-2) suggests that this variant is likely to be tolerated. In summary, the available evidence is currently insufficient to determine the role of this variant in disease. Therefore, it has been classified as a Variant of Uncertain Significance.

Ambry Genetics
Classification: Uncertain significance for Hereditary cancer-predisposing syndrome. Last evaluated: 2024-12-20. Review status: criteria provided, single submitter. Criteria: Ambry Variant Classification Scheme 2023. Collection method: clinical testing. Allele origin: germline.
Comment: The p.E188D variant (also known as c.564G>C), located in coding exon 7 of the MUTYH gene, results from a G to C substitution at nucleotide position 564. The glutamic acid at codon 188 is replaced by aspartic acid, an amino acid with highly similar properties. This variant has also been identified in conjunction with likely pathogenic and pathogenic MUTYH variant(s) in individual(s) with no reported features of MUTYH-associated polyposis; however, the phase of these variants was not determined (Ambry internal data). This amino acid position is well conserved in available vertebrate species. In addition, this alteration is predicted to be tolerated by in silico analysis. Based on the available evidence, the clinical significance of this variant remains unclear.

Color Diagnostics, LLC DBA Color Health
Classification: Uncertain significance for Hereditary cancer-predisposing syndrome. Last evaluated: 2024-03-06. Review status: criteria provided, single submitter. Criteria: ACMG Guidelines, 2015. Collection method: clinical testing. Allele origin: germline.
Comment: This missense variant replaces glutamic acid with aspartic acid at codon 188 of the MUTYH protein. Computational prediction tool suggests that this variant may not impact protein structure and function (internally defined REVEL score threshold <=0.5, PMID: 27666373). Splice site prediction tools suggest that this variant may not impact RNA splicing. To our knowledge, functional studies have not been performed for this variant. This variant has not been reported in individuals affected with hereditary cancer in the literature. This variant has been identified in 1/251454 chromosomes in the general population by the Genome Aggregation Database (gnomAD). The available evidence is insufficient to determine the role of this variant in disease conclusively. Therefore, this variant is classified as a Variant of Uncertain Significance.

GeneDx
Classification: Uncertain significance. Last evaluated: 2022-11-21. Review status: criteria provided, single submitter. Criteria: GeneDx Variant Classification Process June 2021. Collection method: clinical testing. Allele origin: germline. Affected: yes.
Comment: Not observed at significant frequency in large population cohorts (gnomAD); In silico analysis, which includes protein predictors and evolutionary conservation, supports a deleterious effect; Has not been previously published as pathogenic or benign to our knowledge

Women's Health and Genetics/Laboratory Corporation of America, LabCorp
Classification: Uncertain significance. Last evaluated: 2019-03-12. Review status: criteria provided, single submitter. Criteria: LabCorp Variant Classification Summary - May 2015. Collection method: clinical testing. Allele origin: germline.
Comment: Variant summary: MUTYH c.564G>C (p.Glu188Asp) results in a conservative amino acid change located in the HhH-GPD domain (IPR003265) of the encoded protein sequence. Four of five in-silico tools predict a benign effect of the variant on protein function. The variant allele was found at a frequency of 4.1e-06 in 246272 control chromosomes (gnomAD). The available data on variant occurrences in the general population are insufficient to allow any conclusion about variant significance. To our knowledge, no occurrence of c.564G>C in individuals affected with MUTYH-associated Polyposis and no experimental evidence demonstrating its impact on protein function have been reported. One clinical diagnostic laboratory has submitted clinical-significance assessments for this variant to ClinVar after 2014 without evidence for independent evaluation and classified the variant as uncertain significance. Based on the evidence outlined above, the variant was classified as uncertain significance.